The following is an entry in ClinVar:

NM_004360.5(CDH1):c.2268T>A (p.Asp756Glu)

Gene: CDH1 (cadherin 1; plus strand). Cytogenetic location: 16q22.1.
Variant type: single nucleotide variant.
Coding change: c.2268T>A on transcript NM_004360.5 (MANE Select); coding-DNA position 2268, T replaced by A.
Protein change: p.Asp756Glu; replaces aspartic acid 756 with glutamic acid.
Molecular consequence: missense variant.
Genome position (GRCh38, 1-based): chr16:68,828,277, T>A. VCF-style: chr16-68828277-T-A. GRCh37 (hg19) VCF-style: chr16-68862180-T-A.
Other names: c.2268T>A (NM_004360.3); c.2085T>A, p.Asp695Glu (NM_001317184.2); c.720T>A, p.Asp240Glu (NM_001317185.2); c.303T>A, p.Asp101Glu (NM_001317186.2); short protein forms D101E, D695E, D240E, D756E.
Identifiers: ClinVar variation 1037315 (VCV001037315.10), dbSNP rs1567515480, ClinGen allele CA396469982.

ClinVar aggregate classification (germline): Uncertain significance. Review status: criteria provided, multiple submitters, no conflicts (2 of 4 stars). 2 submissions from 2 submitters: Uncertain significance (2). Last evaluated 2026-07-06.

Conditions:
Hereditary cancer-predisposing syndrome. Also called: Tumor predisposition; Hereditary Cancer Syndrome; Hereditary neoplastic syndrome; Neoplastic Syndromes, Hereditary. Identifiers: Orphanet 140162, MedGen C0027672, MeSH D009386, MONDO:0015356.
Hereditary diffuse gastric adenocarcinoma (HDGC). Also called: DIFFUSE GASTRIC AND LOBULAR BREAST CANCER SYNDROME. Identifiers: Orphanet 26106, MedGen C1708349, MONDO:0007648, OMIM 137215.

Submissions (2):

Ambry Genetics
Classification: Uncertain significance for Hereditary cancer-predisposing syndrome. Last evaluated: 2026-07-06. Review status: criteria provided, single submitter. Criteria: Ambry Variant Classification Scheme 2023. Collection method: clinical testing. Allele origin: germline.
Comment: The p.D756E variant (also known as c.2268T>A), located in coding exon 14 of the CDH1 gene, results from a T to A substitution at nucleotide position 2268. The aspartic acid at codon 756 is replaced by glutamic acid, an amino acid with highly similar properties. This amino acid position is conserved. In addition, the in silico prediction for this alteration is inconclusive. Based on the available evidence, the clinical significance of this variant remains unclear.

Labcorp Genetics (formerly Invitae), Labcorp
Classification: Uncertain significance for Hereditary diffuse gastric adenocarcinoma. Last evaluated: 2020-10-19. Review status: criteria provided, single submitter. Criteria: Invitae Variant Classification Sherloc (09022015). Collection method: clinical testing. Allele origin: germline.
Comment: This sequence change replaces aspartic acid with glutamic acid at codon 756 of the CDH1 protein (p.Asp756Glu). The aspartic acid residue is highly conserved and there is a small physicochemical difference between aspartic acid and glutamic acid. This variant is not present in population databases (ExAC no frequency). This missense change has been observed in individual(s) with a personal and/or family history of breast cancer (PMID: 29752822). Algorithms developed to predict the effect of missense changes on protein structure and function (SIFT, PolyPhen-2, Align-GVGD) all suggest that this variant is likely to be disruptive, but these predictions have not been confirmed by published functional studies and their clinical significance is uncertain. In summary, the available evidence is currently insufficient to determine the role of this variant in disease. Therefore, it has been classified as a Variant of Uncertain Significance.

Literature cited by the submitters: PubMed 29752822 (cited by Labcorp Genetics (formerly Invitae), Labcorp).